The following is an entry in ClinVar:

ClinVar aggregate classification (germline): Uncertain significance (1 of 4 stars; one submission).

Submission:

Labcorp Genetics (formerly Invitae), Labcorp
Classification: Uncertain significance. Last evaluated: 2021-06-17. Review status: criteria provided, single submitter. Criteria: Invitae Variant Classification Sherloc (09022015). Collection method: clinical testing. Allele origin: germline.
Comment: In summary, the available evidence is currently insufficient to determine the role of this variant in disease. Therefore, it has been classified as a Variant of Uncertain Significance. This variant has not been reported in the literature in individuals with ERBB2-related conditions. This variant is not present in population databases (ExAC no frequency). This sequence change creates a premature translational stop signal (p.Pro128Argfs*72) in the ERBB2 gene. It is expected to result in an absent or disrupted protein product. However, the current clinical and genetic evidence is not sufficient to establish whether loss-of-function variants in ERBB2 cause disease.

NM_004448.4(ERBB2):c.383_384del (p.Pro128fs)

Gene: ERBB2 (erb-b2 receptor tyrosine kinase 2; plus strand). Cytogenetic location: 17q12.
Variant type: Deletion.
Coding change: c.383_384del on transcript NM_004448.4 (MANE Select); coding-DNA positions 383 to 384, 2 bases deleted (CT; older notation c.383_384delCT).
Protein change: p.Pro128fs; shifts the reading frame from proline 128.
Molecular consequence: frameshift variant. On other transcripts: non-coding transcript variant (1), intron variant (1).
Genome position (GRCh38, 1-based): chr17:39,708,478-39,708,479, CT deleted. VCF-style (leftmost placement, unchanged base first): chr17-39708477-CCT-C. GRCh37 (hg19) VCF-style: chr17-37864730-CCT-C.
Other names: c.383_384del, p.Pro128fs (NM_001382785.1, NM_001382786.1, NM_001382787.1 and 19 more transcripts); c.374_375del, p.Pro125fs (NM_001382791.1); c.293_294del, p.Pro98fs (NM_001005862.3, NM_001289938.2, NM_001382782.1 and 1 more transcripts); c.338_339del, p.Pro113fs (NM_001289936.2); c.74-3450_74-3449del (NM_001382804.1); short protein forms P113fs, P125fs, P98fs, P128fs.
Identifiers: ClinVar variation 1484619 (VCV001484619.6), dbSNP rs2145444620, ClinGen allele CA2573153708.